The following is an entry in ClinVar:

NM_004208.4(AIFM1):c.1582A>G (p.Ile528Val)

Genes: RAB33A (RAB33A, member RAS oncogene family; plus strand), AIFM1 (apoptosis inducing factor mitochondria associated 1; minus strand). Cytogenetic location: Xq26.1.
Variant type: single nucleotide variant.
Coding change: c.1582A>G on transcript NM_004208.4 (MANE Select); coding-DNA position 1582, A replaced by G.
Protein change: p.Ile528Val; replaces isoleucine 528 with valine.
Molecular consequence: missense variant. On other transcripts: 3 prime UTR variant (1), non-coding transcript variant (1).
Genome position (GRCh38, 1-based): chrX:130,130,158, T>C on the plus strand (A>G on the coding strand, the complement: AIFM1 is on the minus strand). VCF-style: chrX-130130158-T-C. GRCh37 (hg19) VCF-style: chrX-129264133-T-C.
Other names: c.565A>G, p.Ile189Val (NM_001130846.4); c.*810A>G (NM_001130847.4); c.1570A>G, p.Ile524Val (NM_145812.3); short protein forms I189V, I524V, I528V.
Identifiers: ClinVar variation 3762254 (VCV003762254.2).

ClinVar aggregate classification (germline): Uncertain significance (1 of 4 stars; one submission).

Conditions:
Combined oxidative phosphorylation deficiency. Identifiers: MedGen C4540031, MONDO:0000732.
Charcot-Marie-Tooth Neuropathy X. Identifiers: MedGen CN118851.

gnomAD v4.1: 23 of 1,211,916 alleles (0.0019%); highest among the groups gnomAD compares: Middle Eastern, 0.023%; no homozygotes.

Submission:

Labcorp Genetics (formerly Invitae), Labcorp
Classification: Uncertain significance for Charcot-Marie-Tooth Neuropathy X; Combined oxidative phosphorylation deficiency. Last evaluated: 2024-04-29. Review status: criteria provided, single submitter. Criteria: Invitae Variant Classification Sherloc (09022015). Collection method: clinical testing. Allele origin: germline.
Comment: This sequence change replaces isoleucine, which is neutral and non-polar, with valine, which is neutral and non-polar, at codon 528 of the AIFM1 protein (p.Ile528Val). This variant is not present in population databases (gnomAD no frequency). This variant has not been reported in the literature in individuals affected with AIFM1-related conditions. Advanced modeling of protein sequence and biophysical properties (such as structural, functional, and spatial information, amino acid conservation, physicochemical variation, residue mobility, and thermodynamic stability) performed at Invitae indicates that this missense variant is not expected to disrupt AIFM1 protein function with a negative predictive value of 80%. In summary, the available evidence is currently insufficient to determine the role of this variant in disease. Therefore, it has been classified as a Variant of Uncertain Significance.